The following is an entry in ClinVar:

ClinVar aggregate classification (germline): Benign/Likely benign. Review status: criteria provided, multiple submitters, no conflicts (2 of 4 stars). 3 submissions from 3 submitters: Benign (2); Likely benign (1). Last evaluated 2025-10-13.

Conditions:
Inborn genetic diseases. Identifiers: MedGen C0950123, MeSH D030342.

Allele frequency attached by ClinVar (database versions not stated): gnomAD 0.00006 and 0.00034; TOPMed 0.00010; gnomAD exomes 0.00056 and 0.00131; 1000 Genomes Project 0.00240; 1000 Genomes Project 30x 0.00250; ExAC 0.00436.
gnomAD v4.1: 802 of 1,482,740 alleles (0.054%); highest among the groups gnomAD compares: South Asian, 0.93%; 20 homozygotes.

Submissions (3):

Labcorp Genetics (formerly Invitae), Labcorp
Classification: Benign. Last evaluated: 2025-10-13. Review status: criteria provided, single submitter. Criteria: Invitae Variant Classification Sherloc (09022015). Collection method: clinical testing. Allele origin: germline.

CeGaT Center for Human Genetics Tuebingen
Classification: Benign. Last evaluated: 2024-08-01. Review status: criteria provided, single submitter. Criteria: CeGaT Center For Human Genetics Tuebingen Variant Classification Criteria Version 2. Collection method: clinical testing. Allele origin: germline. Affected: yes. Observed: 1 variant allele.
Comment: CAMK2B: BP4, BS1, BS2

Ambry Genetics
Classification: Likely benign for Inborn genetic diseases. Last evaluated: 2024-04-08. Review status: criteria provided, single submitter. Criteria: Ambry Variant Classification Scheme 2023. Collection method: clinical testing. Allele origin: germline.

NM_001220.5(CAMK2B):c.1268C>T (p.Ser423Leu)

Gene: CAMK2B (calcium/calmodulin dependent protein kinase II beta; minus strand). Cytogenetic location: 7p13.
Variant type: single nucleotide variant.
Coding change: c.1268C>T on transcript NM_001220.5 (MANE Select); coding-DNA position 1268, C replaced by T.
Protein change: p.Ser423Leu; replaces serine 423 with leucine.
Molecular consequence: missense variant. On other transcripts: intron variant (8).
Genome position (GRCh38, 1-based): chr7:44,229,459, G>A on the plus strand (C>T on the coding strand, the complement: CAMK2B is on the minus strand). VCF-style: chr7-44229459-G-A. GRCh37 (hg19) VCF-style: chr7-44269058-G-A.
Other names: c.947-8558C>T (NM_172084.3); c.1150+1547C>T (NM_172080.3); c.1036+1547C>T (NM_172083.3); c.1108+1547C>T (NM_172081.3); c.1153+1547C>T (NM_172079.3, NM_172082.3); c.1225+1547C>T (NM_001293170.2, NM_172078.3); c.1268C>T (NM_001220.4); short protein forms S423L.
Identifiers: ClinVar variation 1585503 (VCV001585503.25), dbSNP rs536606877, ClinGen allele CA4240402.